The following is an entry in ClinVar:

ClinVar aggregate classification (germline): Pathogenic (1 of 4 stars; one submission).

Conditions:
Hereditary spastic paraplegia 49 (HSAN9). Also called: TECPR2-Related Hereditary Sensory and Autonomic Neuropathy with Intellectual Disability; NEUROPATHY, HEREDITARY SENSORY AND AUTONOMIC, TYPE IX, WITH DEVELOPMENTAL DELAY; Spastic paraplegia 49, autosomal recessive. Identifiers: Orphanet 320385, MedGen C5190860, MONDO:0014016, OMIM 615031.

gnomAD v4.1: 1 of 1,614,206 alleles (0.000062%); highest among the groups gnomAD compares: Non-Finnish European, 0.000085%; no homozygotes.

Submission:

Myriad Genetics, Inc.
Classification: Pathogenic for Hereditary spastic paraplegia 49. Last evaluated: 2026-07-28. Review status: criteria provided, single submitter. Criteria: Myriad Autosomal Dominant, Autosomal Recessive and X-Linked Classification Criteria (2023). Collection method: clinical testing. Allele origin: unknown.
Comment: NM_014844.3(TECPR2):c.2660G>A(W887*) is a nonsense variant classified as pathogenic in the context of spastic paraplegia, TECPR2-related. W887* has not been observed in cases with relevant disease. Relevant functional assessments of this variant are not available in the literature. W887* has not been observed in referenced population frequency databases. In summary, NM_014844.3(TECPR2):c.2660G>A(W887*) is a nonsense variant in a gene where loss of function is a known mechanism of disease and is predicted to disrupt protein function. Please note: this variant was assessed in the context of healthy population screening.

NM_014844.5(TECPR2):c.2660G>A (p.Trp887Ter)

Gene: TECPR2 (tectonin beta-propeller repeat containing 2; plus strand). Cytogenetic location: 14q32.31.
Variant type: single nucleotide variant.
Coding change: c.2660G>A on transcript NM_014844.5 (MANE Select); coding-DNA position 2660, G replaced by A.
Protein change: p.Trp887Ter; replaces tryptophan 887 with a stop codon.
Molecular consequence: nonsense.
Genome position (GRCh38, 1-based): chr14:102,440,517, G>A. VCF-style: chr14-102440517-G-A. GRCh37 (hg19) VCF-style: chr14-102906854-G-A.
Other names: c.2660G>A, p.Trp887Ter (NM_001172631.3); short protein forms W887*.
Identifiers: ClinVar variation 5003463 (VCV005003463.1).